The following is an entry in ClinVar:

ClinVar aggregate classification (germline): Uncertain significance (1 of 4 stars; one submission).

Conditions:
Vitamin B2 deficiency. Identifiers: MedGen C0035528.

Allele frequency attached by ClinVar (database versions not stated): gnomAD 0.00001; gnomAD exomes 0.00001; ExAC 0.00002.

Submission:

Labcorp Genetics (formerly Invitae), Labcorp
Classification: Uncertain significance for Vitamin B2 deficiency. Last evaluated: 2022-12-01. Review status: criteria provided, single submitter. Criteria: Invitae Variant Classification Sherloc (09022015). Collection method: clinical testing. Allele origin: germline.
Comment: In summary, the available evidence is currently insufficient to determine the role of this variant in disease. Therefore, it has been classified as a Variant of Uncertain Significance. Advanced modeling of protein sequence and biophysical properties (such as structural, functional, and spatial information, amino acid conservation, physicochemical variation, residue mobility, and thermodynamic stability) performed at Invitae indicates that this missense variant is expected to disrupt SLC52A1 protein function. This variant has not been reported in the literature in individuals affected with SLC52A1-related conditions. This variant is present in population databases (rs759074830, gnomAD 0.01%). This sequence change replaces phenylalanine, which is neutral and non-polar, with serine, which is neutral and polar, at codon 19 of the SLC52A1 protein (p.Phe19Ser).

NM_017986.4(SLC52A1):c.56T>C (p.Phe19Ser)

Gene: SLC52A1 (solute carrier family 52 member 1; minus strand). Cytogenetic location: 17p13.2.
Variant type: single nucleotide variant.
Coding change: c.56T>C on transcript NM_017986.4 (MANE Select); coding-DNA position 56, T replaced by C.
Protein change: p.Phe19Ser; replaces phenylalanine 19 with serine.
Molecular consequence: missense variant.
Genome position (GRCh38, 1-based): chr17:5,034,551, A>G on the plus strand (T>C on the coding strand, the complement: SLC52A1 is on the minus strand). VCF-style: chr17-5034551-A-G. GRCh37 (hg19) VCF-style: chr17-4937846-A-G.
Other names: c.56T>C, p.Phe19Ser (NM_001104577.2); short protein forms F19S.
Identifiers: ClinVar variation 2985172 (VCV002985172.3), dbSNP rs759074830, ClinGen allele CA8319904.
Genomic context (GRCh38, chr17:5,034,551, plus strand): 5'-TTTACCACCACAGGCAGCTCCACCCAGATCCCGTTCACAGCAGCCCAGGAGCCCATGCCA[A>G]AAAGGGCCACCAGCAGGTGGGTCAGCACCAGACGGCCCAGCGTGGGTGCTGCCATTCAGC-3'
Protein context (NP_060456.3, residues 9-29): LVLTHLLVAL[Phe19Ser]GMGSWAAVNG